The following is an entry in ClinVar:

NM_022081.6(HPS4):c.1009A>G (p.Arg337Gly)

Gene: HPS4 (HPS4 biogenesis of lysosomal organelles complex 3 subunit 2; minus strand). Cytogenetic location: 22q12.1.
Variant type: single nucleotide variant.
Coding change: c.1009A>G on transcript NM_022081.6 (MANE Select); coding-DNA position 1009, A replaced by G.
Protein change: p.Arg337Gly; replaces arginine 337 with glycine.
Molecular consequence: missense variant. On other transcripts: non-coding transcript variant (8).
Genome position (GRCh38, 1-based): chr22:26,464,621, T>C on the plus strand (A>G on the coding strand, the complement: HPS4 is on the minus strand). VCF-style: chr22-26464621-T-C. GRCh37 (hg19) VCF-style: chr22-26860587-T-C.
Other names: c.1009A>G, p.Arg337Gly (NM_001349896.1, NM_001349898.2, NM_001349899.2 and 4 more transcripts); c.1063A>G, p.Arg355Gly (NM_001349900.2, NM_001349901.1); c.994A>G, p.Arg332Gly (NM_152841.2); short protein forms R337G, R332G, R355G.
Identifiers: ClinVar variation 1404188 (VCV001404188.3), dbSNP rs1436842605, ClinGen allele CA411028335.

ClinVar aggregate classification (germline): Uncertain significance (1 of 4 stars; one submission).

Allele frequency attached by ClinVar (database versions not stated): TOPMed below 0.00001; gnomAD 0.00001; gnomAD exomes 0.00001.

Submission:

Labcorp Genetics (formerly Invitae), Labcorp
Classification: Uncertain significance. Last evaluated: 2022-06-05. Review status: criteria provided, single submitter. Criteria: Invitae Variant Classification Sherloc (09022015). Collection method: clinical testing. Allele origin: germline.
Comment: This sequence change replaces arginine, which is basic and polar, with glycine, which is neutral and non-polar, at codon 337 of the HPS4 protein (p.Arg337Gly). This variant is present in population databases (no rsID available, gnomAD 0.007%). This variant has not been reported in the literature in individuals affected with HPS4-related conditions. ClinVar contains an entry for this variant (Variation ID: 1404188). Algorithms developed to predict the effect of missense changes on protein structure and function output the following: SIFT: "Tolerated"; PolyPhen-2: "Benign"; Align-GVGD: "Class C0". The glycine amino acid residue is found in multiple mammalian species, which suggests that this missense change does not adversely affect protein function. In summary, the available evidence is currently insufficient to determine the role of this variant in disease. Therefore, it has been classified as a Variant of Uncertain Significance.